The following is an entry in ClinVar:

NM_017849.4(TMEM127):c.128C>T (p.Ala43Val)

Gene: TMEM127 (transmembrane protein 127; minus strand). Cytogenetic location: 2q11.2.
Variant type: single nucleotide variant.
Coding change: c.128C>T on transcript NM_017849.4 (MANE Select); coding-DNA position 128, C replaced by T.
Protein change: p.Ala43Val; replaces alanine 43 with valine.
Molecular consequence: missense variant. On other transcripts: intron variant (1).
Genome position (GRCh38, 1-based): chr2:96,265,254, G>A on the plus strand (C>T on the coding strand, the complement: TMEM127 is on the minus strand). VCF-style: chr2-96265254-G-A. GRCh37 (hg19) VCF-style: chr2-96930992-G-A.
Other names: c.128C>T, p.Ala43Val (NM_001193304.3); c.-9+615C>T (NM_001407283.1); short protein forms A43V.
Identifiers: ClinVar variation 3700641 (VCV003700641.3).
Genomic context (GRCh38, chr2:96,265,254, plus strand): 5'-CGCGAACAGGTGCCTCCGTGGATGTGCAACCAGGCGGGCTCGGCGAGGGCAGTGCACAGC[G>A]CCGTGATAGACAGGGCGCCAGGCAGGGCCGAGGCCAGGCTACGCTCCGGCTGCTTGGGCA-3'
Protein context (NP_060319.1, residues 33-53): SALPGALSIT[Ala43Val]LCTALAEPAW

ClinVar aggregate classification (germline): Uncertain significance. Review status: criteria provided, multiple submitters, no conflicts (2 of 4 stars). 2 submissions from 2 submitters: Uncertain significance (2). Last evaluated 2025-02-03.

Conditions:
Hereditary pheochromocytoma and paraganglioma. Also called: Hereditary paragangliomas and pheochromocytomas; Hereditary Paraganglioma-Pheochromocytoma Syndromes; Hereditary pheochromocytoma-paraganglioma. Identifiers: Orphanet 29072, MedGen C4274332, MONDO:0017366.
Hereditary cancer-predisposing syndrome. Also called: Tumor predisposition; Hereditary Cancer Syndrome; Neoplastic Syndromes, Hereditary; Hereditary neoplastic syndrome. Identifiers: Orphanet 140162, MedGen C0027672, MeSH D009386, MONDO:0015356.

Submissions (2):

Ambry Genetics
Classification: Uncertain significance for Hereditary cancer-predisposing syndrome. Last evaluated: 2025-02-03. Review status: criteria provided, single submitter. Criteria: Ambry Variant Classification Scheme 2023. Collection method: clinical testing. Allele origin: germline.
Comment: The p.A43V variant (also known as c.128C>T), located in coding exon 1 of the TMEM127 gene, results from a C to T substitution at nucleotide position 128. The alanine at codon 43 is replaced by valine, an amino acid with similar properties. This amino acid position is conserved. In addition, the in silico prediction for this alteration is inconclusive. Based on the available evidence, the clinical significance of this variant remains unclear.

Labcorp Genetics (formerly Invitae), Labcorp
Classification: Uncertain significance for Hereditary pheochromocytoma and paraganglioma. Last evaluated: 2024-06-04. Review status: criteria provided, single submitter. Criteria: Invitae Variant Classification Sherloc (09022015). Collection method: clinical testing. Allele origin: germline.
Comment: This sequence change replaces alanine, which is neutral and non-polar, with valine, which is neutral and non-polar, at codon 43 of the TMEM127 protein (p.Ala43Val). This variant is not present in population databases (gnomAD no frequency). This variant has not been reported in the literature in individuals affected with TMEM127-related conditions. An algorithm developed to predict the effect of missense changes on protein structure and function (PolyPhen-2) suggests that this variant is likely to be tolerated. In summary, the available evidence is currently insufficient to determine the role of this variant in disease. Therefore, it has been classified as a Variant of Uncertain Significance.